The following is an entry in ClinVar:

ClinVar aggregate classification (germline): Pathogenic (1 of 4 stars; one submission).

Conditions:
Familial cancer of breast. Also called: hereditary breast carcinoma; BREAST CANCER, FAMILIAL; Hereditary breast cancer. Identifiers: Orphanet 227535, MedGen C0346153, MONDO:0016419, OMIM 114480. Disease mechanism: loss of function.

Submission:

Labcorp Genetics (formerly Invitae), Labcorp
Classification: Pathogenic for Familial cancer of breast. Last evaluated: 2023-05-23. Review status: criteria provided, single submitter. Criteria: Invitae Variant Classification Sherloc (09022015). Collection method: clinical testing. Allele origin: germline.
Comment: This variant is a gross deletion of the genomic region encompassing exon(s) 2-3 of the PALB2 gene. This deletion is out-of-frame, and is expected to create a premature termination codon and result in an absent or disrupted protein product. Loss-of-function variants in PALB2 are known to be pathogenic (PMID: 17200668, 17200671, 17200672, 24136930, 25099575). This variant has not been reported in the literature in individuals affected with PALB2-related conditions. For these reasons, this variant has been classified as Pathogenic.

Literature cited by the submitters: PubMed 17200668; PubMed 17200671; PubMed 17200672; PubMed 24136930; PubMed 25099575.

NC_000016.10:g.(?_23637840)_(23638139_?)del

Gene: PALB2 (partner and localizer of BRCA2; minus strand). Cytogenetic location: 16p12.2.
Variant type: Deletion.
Identifiers: ClinVar variation 833455 (VCV000833455.6).